The following is an entry in ClinVar:

NM_000868.4(HTR2C):c.1207G>A (p.Ala403Thr)

Genes: HTR2C (5-hydroxytryptamine receptor 2C; plus strand), LOC126863306 (MED14-independent group 3 enhancer GRCh37_chrX:114140926-114142125; plus strand). Cytogenetic location: Xq23.
Variant type: single nucleotide variant.
Coding change: c.1207G>A on transcript NM_000868.4 (MANE Select); coding-DNA position 1207, G replaced by A.
Protein change: p.Ala403Thr; replaces alanine 403 with threonine.
Molecular consequence: missense variant. On other transcripts: 3 prime UTR variant (1).
Genome position (GRCh38, 1-based): chrX:114,907,245, G>A. VCF-style: chrX-114907245-G-A. GRCh37 (hg19) VCF-style: chrX-114141808-G-A.
Other names: c.1207G>A, p.Ala403Thr (NM_001256760.3); c.*365G>A (NM_001256761.3); short protein forms A403T.
Identifiers: ClinVar variation 4986625 (VCV004986625.1).
Genomic context (GRCh38, chrX:114,907,245, plus strand): 5'-TTGCGTTGCAATTATAAGGTAGAGAAAAAGCCTCCTGTCAGGCAGATTCCAAGAGTTGCC[G>A]CCACTGCTTTGTCTGGGAGGGAGCTTAATGTTAACATTTATCGGCATACCAATGAACCGG-3'
Protein context (NP_000859.2, residues 393-413): PPVRQIPRVA[Ala403Thr]TALSGRELNV

ClinVar aggregate classification (germline): Uncertain significance (1 of 4 stars; one submission).

Conditions:
HTR2C-related disorder. Also called: HTR2C-related condition.

gnomAD v4.1: 13 of 1,209,475 alleles (0.0011%); highest among the groups gnomAD compares: South Asian, 0.0018%; no homozygotes.

Submission:

PreventionGenetics, part of Exact Sciences
Classification: Uncertain significance for HTR2C-related condition. Last evaluated: 2024-12-05. Review status: criteria provided, single submitter. Criteria: ACMG Guidelines, 2015. Collection method: clinical testing. Allele origin: germline.
Comment: The HTR2C c.1207G>A variant is predicted to result in the amino acid substitution p.Ala403Thr. To our knowledge, this variant has not been reported in the literature or in a large population database (gnomAD), indicating this variant is rare. At this time, the clinical significance of this variant is uncertain due to the absence of conclusive functional and genetic evidence.